The following is an entry in ClinVar:

ClinVar aggregate classification (germline): Uncertain significance. Review status: criteria provided, multiple submitters, no conflicts (2 of 4 stars). 2 submissions from 2 submitters: Uncertain significance (2). Last evaluated 2025-08-23.

Allele frequency attached by ClinVar (database versions not stated): gnomAD exomes 0.00003.
gnomAD v4.1: 39 of 1,613,716 alleles (0.0024%); highest among the groups gnomAD compares: Non-Finnish European, 0.0032%; no homozygotes.

Submissions (2):

Ambry Genetics
Classification: Uncertain significance. Last evaluated: 2025-08-23. Review status: criteria provided, single submitter. Criteria: Ambry Variant Classification Scheme 2023. Collection method: clinical testing. Allele origin: germline.

Labcorp Genetics (formerly Invitae), Labcorp
Classification: Uncertain significance. Last evaluated: 2022-11-20. Review status: criteria provided, single submitter. Criteria: Invitae Variant Classification Sherloc (09022015). Collection method: clinical testing. Allele origin: germline.
Comment: In summary, the available evidence is currently insufficient to determine the role of this variant in disease. Therefore, it has been classified as a Variant of Uncertain Significance. Algorithms developed to predict the effect of missense changes on protein structure and function are either unavailable or do not agree on the potential impact of this missense change (SIFT: "Tolerated"; PolyPhen-2: "Possibly Damaging"; Align-GVGD: "Class C0"). This variant has not been reported in the literature in individuals affected with FCHO1-related conditions. This variant is present in population databases (no rsID available, gnomAD 0.0009%). This sequence change replaces proline, which is neutral and non-polar, with threonine, which is neutral and polar, at codon 263 of the FCHO1 protein (p.Pro263Thr).

NM_015122.3(FCHO1):c.787C>A (p.Pro263Thr)

Gene: FCHO1 (FCH and mu domain containing endocytic adaptor 1; plus strand). Cytogenetic location: 19p13.11.
Variant type: single nucleotide variant.
Coding change: c.787C>A on transcript NM_015122.3 (MANE Select); coding-DNA position 787, C replaced by A.
Protein change: p.Pro263Thr; replaces proline 263 with threonine.
Molecular consequence: missense variant. On other transcripts: non-coding transcript variant (34).
Genome position (GRCh38, 1-based): chr19:17,772,738, C>A. VCF-style: chr19-17772738-C-A. GRCh37 (hg19) VCF-style: chr19-17883547-C-A.
Other names: c.748C>A, p.Pro250Thr (NM_001384389.1, NM_001384388.1, NM_001384405.1); c.712C>A, p.Pro238Thr (NM_001384390.1); c.787C>A, p.Pro263Thr (NM_001384391.1, NM_001384392.1, NM_001384393.1 and 26 more transcripts); c.637C>A, p.Pro213Thr (NM_001161359.2, NM_001384384.1, NM_001384385.1 and 3 more transcripts); c.787C>A (NM_001161357.1); short protein forms P213T, P238T, P250T, P263T.
Identifiers: ClinVar variation 2957063 (VCV002957063.3), dbSNP rs1295375498, ClinGen allele CA404750280.